The following is an entry in ClinVar:

NM_031418.4(ANO3):c.1675T>C (p.Ser559Pro)

Gene: ANO3 (anoctamin 3; plus strand). Cytogenetic location: 11p14.2.
Variant type: single nucleotide variant.
Coding change: c.1675T>C on transcript NM_031418.4 (MANE Select); coding-DNA position 1675, T replaced by C.
Protein change: p.Ser559Pro; replaces serine 559 with proline.
Molecular consequence: missense variant.
Genome position (GRCh38, 1-based): chr11:26,599,553, T>C. VCF-style: chr11-26599553-T-C. GRCh37 (hg19) VCF-style: chr11-26621100-T-C.
Other names: c.1675T>C (NM_031418.2); c.1858T>C, p.Ser620Pro (NM_001313726.2); c.1237T>C, p.Ser413Pro (NM_001313727.2); short protein forms S413P, S559P, S620P.
Identifiers: ClinVar variation 2899682 (VCV002899682.4), dbSNP rs370412083, ClinGen allele CA219397454.

ClinVar aggregate classification (germline): Uncertain significance. Review status: criteria provided, multiple submitters, no conflicts (2 of 4 stars). 2 submissions from 2 submitters: Uncertain significance (2). Last evaluated 2024-04-30.

Conditions:
Dystonic disorder. Also called: Dystonia. Identifiers: MedGen C0013421, MONDO:0003441, HP:0001332.
Inborn genetic diseases. Identifiers: MedGen C0950123, MeSH D030342.

Allele frequency attached by ClinVar (database versions not stated): gnomAD 0.00001; gnomAD exomes 0.00002; TOPMed 0.00002; ESP Exome Variant Server 0.00015.
gnomAD v4.1: 26 of 1,612,302 alleles (0.0016%); highest among the groups gnomAD compares: African/African-American, 0.0027%; no homozygotes.

Submissions (2):

Ambry Genetics
Classification: Uncertain significance for Inborn genetic diseases. Last evaluated: 2024-04-30. Review status: criteria provided, single submitter. Criteria: Ambry Variant Classification Scheme 2023. Collection method: clinical testing. Allele origin: germline.

Labcorp Genetics (formerly Invitae), Labcorp
Classification: Uncertain significance for Dystonic disorder. Last evaluated: 2023-10-03. Review status: criteria provided, single submitter. Criteria: Invitae Variant Classification Sherloc (09022015). Collection method: clinical testing. Allele origin: germline.
Comment: This sequence change replaces serine, which is neutral and polar, with proline, which is neutral and non-polar, at codon 559 of the ANO3 protein (p.Ser559Pro). This variant is present in population databases (rs370412083, gnomAD 0.002%). This variant has not been reported in the literature in individuals affected with ANO3-related conditions. Advanced modeling of protein sequence and biophysical properties (such as structural, functional, and spatial information, amino acid conservation, physicochemical variation, residue mobility, and thermodynamic stability) performed at Invitae indicates that this missense variant is expected to disrupt ANO3 protein function. In summary, the available evidence is currently insufficient to determine the role of this variant in disease. Therefore, it has been classified as a Variant of Uncertain Significance.